The following is an entry in ClinVar:

ClinVar aggregate classification (germline): Pathogenic (1 of 4 stars; one submission).

Conditions:
Multiple sulfatase deficiency (MSD). Also called: Multiple Sulfatase Deficiency Disease; Sulfatidosis, Juvenile, Austin Type; Mucosulfatidosis. Identifiers: Orphanet 585, MedGen C0268263, MONDO:0010088, OMIM 272200.

Submission:

Labcorp Genetics (formerly Invitae), Labcorp
Classification: Pathogenic for Multiple sulfatase deficiency. Last evaluated: 2021-09-14. Review status: criteria provided, single submitter. Criteria: Invitae Variant Classification Sherloc (09022015). Collection method: clinical testing. Allele origin: germline.
Comment: For these reasons, this variant has been classified as Pathogenic. Loss-of-function variants in SUMF1 are known to be pathogenic (PMID: 12757705, 12757706, 25885655). This variant has not been reported in the literature in individuals with SUMF1-related conditions. This variant is a gross deletion of the genomic region encompassing exons 1-7 of the SUMF1 gene, which includes the initiator codon. The 5' end of this event is unknown as it extends beyond the assayed region for this gene and therefore may encompass additional genes. The 3' boundary is likely confined to intron 7 of the SUMF1 gene. This is expected to result in an absent or disrupted protein product.

Literature cited by the submitters: PubMed 12757705; PubMed 12757706; PubMed 25885655.

NC_000003.12:g.(?_4410855)_(4467255_?)del

Gene: SUMF1 (sulfatase modifying factor 1; minus strand). Cytogenetic location: 3p26.1.
Variant type: Deletion.
Identifiers: ClinVar variation 831204 (VCV000831204.5).